The following continues an entry in ClinVar:

NM_001042492.3(NF1):c.5609G>A (p.Arg1870Gln)

Gene: NF1. ClinVar aggregate classification (germline): Pathogenic. Pathogenic (22). ClinVar aggregate classification (somatic clinical impact): Tier II - Potential.

Submissions 22 to 30 of 30:

Ambry Genetics
Classification: Pathogenic for Hereditary cancer-predisposing syndrome. Last evaluated: 2015-07-20. Review status: criteria provided, single submitter. Criteria: Ambry Autosomal Dominant and X-Linked criteria (10/2015). Collection method: clinical testing. Allele origin: germline. Observed: 1 variant allele.
Comment: The p.R1870Q pathogenic mutation (also known as c.5609G>A) is located in coding exon 38 of the NF1 gene. This pathogenic mutation results from a G to A substitution at nucleotide position 5609. The amino acid change results in an arginine to glutamine at codon 1870, an amino acid with highly similar properties. However, this change occurs in the last base pair of coding exon 38, which makes it likely to have some effect on normal mRNA splicing. This mutation was first described in one familial and two sporadic cases of neurofibromatosis type 1 (NF1). These researchers performed further functional studies and demonstrated a skipping of exon 38, leading to a truncated protein (Ars E, Hum. Mol. Genet. 2000 Jan; 9(2):237-47). This mutation was also identified in two unrelated individuals of Korean descent with NF1 (Ko JM, Pediatr. Neurol. 2013 Jun; 48(6):447-53) as well as in one family of Indonesian descent with NF1 (R&uuml;bben A, Mol. Cancer 2006 ; 5():36). This variant was not reported in population based cohorts in the following databases: Database of Single Nucleotide Polymorphisms (dbSNP), NHLBI Exome Sequencing Project (ESP), and 1000 Genomes Project. In the ESP, this variant was not observed in 6503 samples (13006 alleles) with coverage at this position. To date, this alteration has been detected with an allele frequency of approximately 0.01% (greater than 55000 alleles tested) in our clinical cohort. Based on nucleotide sequence alignment, this position is completely conserved in available vertebrate species. Using two different splice site prediction tools, this alteration is predicted by BDGP to abolish the native donor splice site, but is predicted to weaken (but not abolish) the efficacy of the native donor splice site by ESEfinder. In the published literature, this alteration is also referred to as c.5546G>A (R1849Q). Based on the available evidence, p.R1870Q is classified as a pathogenic mutation.

Clinical Genetics Service, Universitary Hospital 12 de Octubre
Classification: Pathogenic for Neurofibromatosis, type 1. Review status: criteria provided, single submitter. Criteria: ACMG Guidelines, 2015. Collection method: clinical testing. Allele origin: germline. Affected: yes.

Human Genome Sequencing Center Clinical Lab, Baylor College of Medicine
Classification: Pathogenic for Rhabdomyosarcoma. Last evaluated: 2020-09-01. Review status: no assertion criteria provided. Collection method: provider interpretation. Allele origin: germline. Affected: yes. Not counted in ClinVar's aggregate classification.

Bioscientia Institut fuer Medizinische Diagnostik GmbH, Sonic Healthcare
Classification: Pathogenic for Neurofibromatosis, type 1. Review status: no assertion criteria provided. Collection method: clinical testing. Allele origin: germline. Affected: yes. Not counted in ClinVar's aggregate classification.

Division of Human Genetics, National Health Laboratory Service/University of the Witwatersrand
Classification: Pathogenic for Neurofibromatosis, type 1. Review status: no assertion criteria provided. Collection method: research. Allele origin: unknown. Affected: yes. Observed: 1 variant allele. Not counted in ClinVar's aggregate classification.

Dr. Peter K. Rogan Lab, Western University
No classification provided (evidence only). Condition: Melanoma. Review status: no classification provided. Collection method: in vitro. Allele origin: not applicable. Functional consequence: skipped exon, retained intron. Not counted in ClinVar's aggregate classification.

Dr. Peter K. Rogan Lab, Western University
No classification provided (evidence only). Condition: Melanoma. Review status: no classification provided. Collection method: in vitro. Allele origin: not applicable. Functional consequence: skipped exon. Not counted in ClinVar's aggregate classification.

Dr. Peter K. Rogan Lab, Western University
No classification provided (evidence only). Condition: Glioma susceptibility 1. Review status: no classification provided. Collection method: in vitro. Allele origin: not applicable. Functional consequence: skipped exon. Not counted in ClinVar's aggregate classification.

Dr. Peter K. Rogan Lab, Western University
No classification provided (evidence only). Condition: Gastric cancer. Review status: no classification provided. Collection method: in vitro. Allele origin: not applicable. Functional consequence: retained intron. Not counted in ClinVar's aggregate classification.

Literature cited by the submitters: PubMed 10980545 (cited by 6 submitters); PubMed 27322474 (cited by Myriad Genetics, Inc.); PubMed 16937374 (cited by 3 submitters); PubMed 24789688 (cited by Myriad Genetics, Inc.); PubMed 23010473 (cited by Myriad Genetics, Inc.); PubMed 33877690 (cited by Myriad Genetics, Inc.); PubMed 34418705 (cited by Myriad Genetics, Inc.); PubMed 23668869 (cited by 6 submitters); PubMed 36612057 (cited by Myriad Genetics, Inc.); PubMed 11857752 (cited by 4 submitters); PubMed 10607834 (cited by 7 submitters); PubMed 10712197 (cited by Labcorp Genetics (formerly Invitae), Labcorp and Mayo Clinic Laboratories, Mayo Clinic); PubMed 10862084 (cited by 4 submitters); PubMed 12807981 (cited by 5 submitters); PubMed 18484666 (cited by Labcorp Genetics (formerly Invitae), Labcorp); PubMed 18546366 (cited by 4 submitters); PubMed 23913538 (cited by Labcorp Genetics (formerly Invitae), Labcorp and Mayo Clinic Laboratories, Mayo Clinic); PubMed 24932921 (cited by Labcorp Genetics (formerly Invitae), Labcorp and Mayo Clinic Laboratories, Mayo Clinic); PubMed 25325900 (cited by 3 submitters); PubMed 17576681 (cited by Labcorp Genetics (formerly Invitae), Labcorp); PubMed 9536098 (cited by Labcorp Genetics (formerly Invitae), Labcorp); PubMed 30014477 (cited by Variantyx, Inc.); PubMed 38596211 (cited by Variantyx, Inc.); PubMed 37073110 (cited by Variantyx, Inc.); PubMed 18592002 (cited by Institute for Genomic Medicine (IGM) Clinical Laboratory, Nationwide Children's Hospital); PubMed 24951259 (cited by Institute for Genomic Medicine (IGM) Clinical Laboratory, Nationwide Children's Hospital); PubMed 29937994 (cited by Institute for Genomic Medicine (IGM) Clinical Laboratory, Nationwide Children's Hospital); PubMed 31400926 (cited by Institute for Genomic Medicine (IGM) Clinical Laboratory, Nationwide Children's Hospital); PubMed 28617917 (cited by Institute for Genomic Medicine (IGM) Clinical Laboratory, Nationwide Children's Hospital); PubMed 28637487 (cited by Institute for Genomic Medicine (IGM) Clinical Laboratory, Nationwide Children's Hospital); PubMed 16961930 (cited by Mayo Clinic Laboratories, Mayo Clinic and Ambry Genetics); PubMed 29673180 (cited by Mayo Clinic Laboratories, Mayo Clinic and 3billion); PubMed 31776437 (cited by 3billion); PubMed 8099055 (cited by Dasa); PubMed 1511985 (cited by Dasa).